The following is an entry in ClinVar:

ClinVar aggregate classification (germline): Pathogenic (1 of 4 stars; one submission).

Conditions:
Autosomal recessive titinopathy. Identifiers: MedGen CN315649, MONDO:0100493.

Submission:

Victorian Clinical Genetics Services, Murdoch Childrens Research Institute
Classification: Pathogenic for Autosomal recessive titinopathy. Last evaluated: 2024-12-30. Review status: criteria provided, single submitter. Criteria: ACMG Guidelines, 2015. Collection method: clinical testing. Allele origin: germline. Affected: yes.
Comment: This variant is classified as Pathogenic. Evidence in support of pathogenic classification: Variant is predicted to cause nonsense-mediated decay (NMD) and loss of protein (premature termination codon is located at least 54 nucleotides upstream of the final exon-exon junction); Variant is absent from gnomAD (v2, v3 and v4); Other NMD-predicted variant(s) comparable to the one identified in this case have very strong previous evidence for pathogenicity (DECIPHER); Additional information: This variant is non-coding in an alternative transcript. This variant is coding in the meta-transcript (NM_001267550.2), however, is non-coding in isoform N2B predominantly expressed in cardiac tissue (NM_003319.4). - This variant is heterozygous; This gene is associated with both recessive and dominant disease (OMIM); This variant has no previous evidence of pathogenicity; No published segregation evidence has been identified for this variant; No published functional evidence has been identified for this variant; Variant is located in the annotated I-band and the exon has a PSI score of 6% (PMID: 25589632); Loss of function is a known mechanism of disease in this gene. In addition, dominant negative is also a suggested mechanism. (PMID: 25589632); The condition associated with this gene has incomplete penetrance. Variants in this gene that result in a premature termination codon (PTC) are known to have reduced penetrance in DCM (PMID: 25589632).

Literature cited by the submitters: PubMed 25589632.

NM_001267550.2(TTN):c.32587A>T (p.Lys10863Ter)

Gene: TTN (titin; minus strand). Cytogenetic location: 2q31.2.
Variant type: single nucleotide variant.
Coding change: c.32587A>T on transcript NM_001267550.2 (MANE Select); coding-DNA position 32587, A replaced by T.
Protein change: p.Lys10863Ter; replaces lysine 10863 with a stop codon.
Molecular consequence: nonsense. On other transcripts: intron variant (3).
Genome position (GRCh38, 1-based): chr2:178,684,717, T>A on the plus strand (A>T on the coding strand, the complement: TTN is on the minus strand). VCF-style: chr2-178684717-T-A. GRCh37 (hg19) VCF-style: chr2-179549444-T-A.
Other names: c.31636A>T, p.Lys10546Ter (NM_001256850.1); c.28855A>T, p.Lys9619Ter (NM_133378.4); c.13283-42400A>T (NM_003319.4); c.13859-42400A>T (NM_133437.4); c.13658-42400A>T (NM_133432.3); short protein forms K10546*, K10863*, K9619*.
Identifiers: ClinVar variation 4531797 (VCV004531797.1).